The following is an entry in ClinVar:

NM_001015880.2(PAPSS2):c.753+4A>C

Gene: PAPSS2 (3'-phosphoadenosine 5'-phosphosulfate synthase 2; plus strand). Cytogenetic location: 10q23.31.
Variant type: single nucleotide variant.
Coding change: c.753+4A>C on transcript NM_001015880.2 (MANE Select); 4 bases into the intron after coding-DNA position 753, A replaced by C.
Molecular consequence: intron variant.
Genome position (GRCh38, 1-based): chr10:87,715,102, A>C. VCF-style: chr10-87715102-A-C. GRCh37 (hg19) VCF-style: chr10-89474859-A-C.
Other names: c.753+4A>C (NM_004670.3, NM_004670.4).
Identifiers: ClinVar variation 787187 (VCV000787187.14), dbSNP rs17125280, ClinGen allele CA5589543.

ClinVar aggregate classification (germline): Benign/Likely benign. Review status: criteria provided, multiple submitters, no conflicts (2 of 4 stars). 3 submissions from 3 submitters: Benign (1); Likely benign (1). 1 of the submissions does not count toward it. Last evaluated 2025-12-30.

Conditions:
PAPSS2-related disorder. Also called: PAPSS2-related condition.
Spondyloepimetaphyseal dysplasia, PAPSS2 type. Also called: SEMD, PAKISTANI TYPE; BRACHYOLMIA TYPE 4 WITH MILD EPIPHYSEAL AND METAPHYSEAL CHANGES; SPONDYLODYSPLASIA AND PREMATURE PUBARCHE. Identifiers: Orphanet 93282, MedGen C2748516, MONDO:0019666, OMIM 612847.

Allele frequency attached by ClinVar (database versions not stated): gnomAD exomes 0.00084; ExAC 0.00115; 1000 Genomes Project 0.00379; gnomAD 0.00393 and 0.00427; 1000 Genomes Project 30x 0.00422; TOPMed 0.00434; ESP Exome Variant Server 0.00446.
gnomAD v4.1: 1,136 of 1,472,186 alleles (0.077%); highest among the groups gnomAD compares: African/African-American, 1.4%; 11 homozygotes.

Submissions (3):

Labcorp Genetics (formerly Invitae), Labcorp
Classification: Benign for Spondyloepimetaphyseal dysplasia, PAPSS2 type. Last evaluated: 2025-12-30. Review status: criteria provided, single submitter. Criteria: Invitae Variant Classification Sherloc (09022015). Collection method: clinical testing. Allele origin: germline.

Blueprint Genetics
Classification: Likely benign. Last evaluated: 2024-10-08. Review status: criteria provided, single submitter. Criteria: ACMG Guidelines, 2015. Collection method: clinical testing. Allele origin: germline.

PreventionGenetics, part of Exact Sciences
Classification: Benign for PAPSS2-related condition. Last evaluated: 2019-02-25. Review status: no assertion criteria provided. Collection method: clinical testing. Allele origin: germline. Not counted in ClinVar's aggregate classification.
Comment: This variant is classified as benign based on ACMG/AMP sequence variant interpretation guidelines (Richards et al. 2015 PMID: 25741868, with internal and published modifications).